The following is an entry in ClinVar:

NM_021098.3(CACNA1H):c.6143C>G (p.Pro2048Arg)

Gene: CACNA1H (calcium voltage-gated channel subunit alpha1 H; plus strand). Cytogenetic location: 16p13.3.
Variant type: single nucleotide variant.
Coding change: c.6143C>G on transcript NM_021098.3 (MANE Select); coding-DNA position 6143, C replaced by G.
Protein change: p.Pro2048Arg; replaces proline 2048 with arginine.
Molecular consequence: missense variant.
Genome position (GRCh38, 1-based): chr16:1,220,075, C>G. VCF-style: chr16-1220075-C-G. GRCh37 (hg19) VCF-style: chr16-1270075-C-G.
Other names: c.6125C>G, p.Pro2042Arg (NM_001005407.2); short protein forms P2042R, P2048R.
Identifiers: ClinVar variation 2928853 (VCV002928853.3), dbSNP rs535814707, ClinGen allele CA394149168.

ClinVar aggregate classification (germline): Uncertain significance (1 of 4 stars; one submission).

Conditions:
Idiopathic generalized epilepsy. Also called: Generalised epilepsy; EIG. Identifiers: MedGen C0270850, MONDO:0005579, OMIM 600669.
Hyperaldosteronism, familial, type IV (HALD4). Also called: FH IV; ALDOSTERONISM, PRIMARY, AND HYPERTENSION. Identifiers: Orphanet 642671, MedGen C4310756, MONDO:0014875, OMIM 617027.

gnomAD v4.1: 2 of 1,446,136 alleles (0.00014%); highest among the groups gnomAD compares: Non-Finnish European, 0.00018%; no homozygotes.

Submission:

Labcorp Genetics (formerly Invitae), Labcorp
Classification: Uncertain significance for Idiopathic generalized epilepsy; Hyperaldosteronism, familial, type IV. Last evaluated: 2023-03-10. Review status: criteria provided, single submitter. Criteria: Invitae Variant Classification Sherloc (09022015). Collection method: clinical testing. Allele origin: germline.
Comment: In summary, the available evidence is currently insufficient to determine the role of this variant in disease. Therefore, it has been classified as a Variant of Uncertain Significance. This sequence change replaces proline, which is neutral and non-polar, with arginine, which is basic and polar, at codon 2048 of the CACNA1H protein (p.Pro2048Arg). This variant is not present in population databases (gnomAD no frequency). This variant has not been reported in the literature in individuals affected with CACNA1H-related conditions. Advanced modeling of protein sequence and biophysical properties (such as structural, functional, and spatial information, amino acid conservation, physicochemical variation, residue mobility, and thermodynamic stability) performed at Invitae indicates that this missense variant is not expected to disrupt CACNA1H protein function.